The following is an entry in ClinVar:

NM_001378615.1(CC2D2A):c.2999_3000inv (p.Glu1000Val)

Genes: CC2D2A (coiled-coil and C2 domain containing 2A; plus strand), FBXL5 (F-box and leucine rich repeat protein 5; minus strand). Cytogenetic location: 4p15.32.
Variant type: Inversion.
Coding change: c.2999_3000inv on transcript NM_001378615.1 (MANE Select).
Protein change: p.Glu1000Val; replaces glutamic acid 1000 with valine.
Molecular consequence: missense variant.
Genome position: GRCh38 VCF-style: chr4-15560607-AA-TT. GRCh37 (hg19) VCF-style: chr4-15562230-AA-TT.
Other names: c.2999_3000inv, p.Glu1000Val (NM_001080522.2); c.2852_2853inv, p.Glu951Val (NM_001378617.1); c.2999_3000delinsTT (NM_001080522.2); short protein forms E1000V, E951V.
Identifiers: ClinVar variation 1453471 (VCV001453471.7), ClinGen allele CA2573137613.

ClinVar aggregate classification (germline): Pathogenic/Likely pathogenic. Review status: criteria provided, multiple submitters, no conflicts (2 of 4 stars). 2 submissions from 2 submitters: Pathogenic (1); Likely pathogenic (1). Last evaluated 2024-04-17.

Conditions:
Joubert syndrome. Also called: JOUBERT-BOLTSHAUSER SYNDROME; Familial aplasia of the vermis. Identifiers: Orphanet 475, MedGen C5979921, MONDO:0018772.
Meckel-Gruber syndrome. Also called: DYSENCEPHALIA SPLANCHNOCYSTICA; GRUBER SYNDROME; Dysencephalia splachnocystica. Identifiers: Orphanet 564, MedGen C0265215, MONDO:0018921.
Joubert syndrome and related disorders. Identifiers: Orphanet 140874, MedGen C5679612, MONDO:0015369.

Submissions (2):

Women's Health and Genetics/Laboratory Corporation of America, LabCorp
Classification: Likely pathogenic for Joubert syndrome and related disorders. Last evaluated: 2024-04-17. Review status: criteria provided, single submitter. Criteria: LabCorp Variant Classification Summary - May 2015. Collection method: clinical testing. Allele origin: germline.
Comment: Variant summary: CC2D2A c.2999_3000delinsTT (p.Glu1000Val) results in a non-conservative amino acid change in the encoded protein sequence. Three of five in-silico tools predict a benign effect of the variant on protein function. The variant was absent in 209746 control chromosomes. To our knowledge, no occurrence of c.2999_3000delinsTT in individuals affected with Joubert Syndrome And Related Disorders and no experimental evidence demonstrating its impact on protein function have been reported. However, a missense variant c.2999A>T, also resulting in p.Glu1000Val has been observed in multiple homozygous and compound heterozygous individuals with Joubert Syndrome. The following publications have been ascertained in the context of this evaluation (PMID: 26092869, 26310553). ClinVar contains an entry for this variant (Variation ID: 1453471). Based on the evidence outlined above, the variant was classified as likely pathogenic.

Labcorp Genetics (formerly Invitae), Labcorp
Classification: Pathogenic for Joubert syndrome; Meckel-Gruber syndrome. Last evaluated: 2023-05-22. Review status: criteria provided, single submitter. Criteria: Invitae Variant Classification Sherloc (09022015). Collection method: clinical testing. Allele origin: germline.
Comment: For these reasons, this variant has been classified as Pathogenic. An algorithm developed to predict the effect of missense changes on protein structure and function (PolyPhen-2) suggests that this variant is likely to be tolerated. ClinVar contains an entry for this variant (Variation ID: 1453471). This missense change has been observed in individual(s) with Joubert syndrome (PMID: 26092869, 26310553). In at least one individual the data is consistent with being in trans (on the opposite chromosome) from a pathogenic variant. It has also been observed to segregate with disease in related individuals. Information on the frequency of this variant in the gnomAD database is not available, as this variant may be reported differently in the database. This sequence change replaces glutamic acid, which is acidic and polar, with valine, which is neutral and non-polar, at codon 1000 of the CC2D2A protein (p.Glu1000Val).

Literature cited by the submitters: PubMed 26092869 (cited by Women's Health and Genetics/Laboratory Corporation of America, LabCorp and Labcorp Genetics (formerly Invitae), Labcorp); PubMed 26310553 (cited by Women's Health and Genetics/Laboratory Corporation of America, LabCorp and Labcorp Genetics (formerly Invitae), Labcorp).